The following is an entry in ClinVar:

NM_002872.5(RAC2):c.34G>T (p.Gly12Trp)

Genes: RAC2 (Rac family small GTPase 2; minus strand), LOC130067357 (ATAC-STARR-seq lymphoblastoid active region 18957; plus strand). Cytogenetic location: 22q13.1.
Variant type: single nucleotide variant.
Coding change: c.34G>T on transcript NM_002872.5 (MANE Select); coding-DNA position 34, G replaced by T.
Protein change: p.Gly12Trp; replaces glycine 12 with tryptophan.
Molecular consequence: missense variant.
Genome position (GRCh38, 1-based): chr22:37,244,115, C>A on the plus strand (G>T on the coding strand, the complement: RAC2 is on the minus strand). VCF-style: chr22-37244115-C-A. GRCh37 (hg19) VCF-style: chr22-37640155-C-A.
Other names: short protein forms G12W.
Identifiers: ClinVar variation 4712163 (VCV004712163.1).

ClinVar aggregate classification (germline): Uncertain significance (1 of 4 stars; one submission).

Conditions:
Neutrophil immunodeficiency syndrome. Also called: Immunodeficiency 73A with defective neutrophil chemotaxis and leukocytosis. Identifiers: Orphanet 183707, MedGen C1842398, MONDO:0011988, OMIM 608203.

Submission:

Labcorp Genetics (formerly Invitae), Labcorp
Classification: Uncertain significance for Neutrophil immunodeficiency syndrome. Last evaluated: 2025-02-15. Review status: criteria provided, single submitter. Criteria: Invitae Variant Classification Sherloc (09022015). Collection method: clinical testing. Allele origin: germline.
Comment: This sequence change replaces glycine, which is neutral and non-polar, with tryptophan, which is neutral and slightly polar, at codon 12 of the RAC2 protein (p.Gly12Trp). This variant is not present in population databases (gnomAD no frequency). This variant has not been reported in the literature in individuals affected with RAC2-related conditions. An algorithm developed to predict the effect of missense changes on protein structure and function (PolyPhen-2) suggests that this variant is likely to be disruptive. In summary, the available evidence is currently insufficient to determine the role of this variant in disease. Therefore, it has been classified as a Variant of Uncertain Significance.